The following is an entry in ClinVar:

ClinVar aggregate classification (germline): Uncertain significance. Review status: criteria provided, multiple submitters, no conflicts (2 of 4 stars). 2 submissions from 2 submitters: Uncertain significance (2). Last evaluated 2024-02-23.

Conditions:
Kabuki syndrome. Also called: NIIKAWA-KUROKI SYNDROME; Kabuki make-up syndrome. Identifiers: Orphanet 2322, MedGen C0796004, MONDO:0016512.

Submissions (2):

GeneDx
Classification: Uncertain significance. Last evaluated: 2024-02-23. Review status: criteria provided, single submitter. Criteria: GeneDx Variant Classification Process June 2021. Collection method: clinical testing. Allele origin: germline. Affected: yes.
Comment: Not observed at significant frequency in large population cohorts (gnomAD); In silico analysis supports that this missense variant has a deleterious effect on protein structure/function; Has not been previously published as pathogenic or benign to our knowledge

Labcorp Genetics (formerly Invitae), Labcorp
Classification: Uncertain significance for Kabuki syndrome. Last evaluated: 2022-06-18. Review status: criteria provided, single submitter. Criteria: Invitae Variant Classification Sherloc (09022015). Collection method: clinical testing. Allele origin: germline.
Comment: In summary, the available evidence is currently insufficient to determine the role of this variant in disease. Therefore, it has been classified as a Variant of Uncertain Significance. Advanced modeling of protein sequence and biophysical properties (such as structural, functional, and spatial information, amino acid conservation, physicochemical variation, residue mobility, and thermodynamic stability) performed at Invitae indicates that this missense variant is not expected to disrupt KMT2D protein function. This variant has not been reported in the literature in individuals affected with KMT2D-related conditions. This variant is not present in population databases (gnomAD no frequency). This sequence change replaces valine, which is neutral and non-polar, with alanine, which is neutral and non-polar, at codon 4985 of the KMT2D protein (p.Val4985Ala).

NM_003482.4(KMT2D):c.14954T>C (p.Val4985Ala)

Gene: KMT2D (lysine methyltransferase 2D; minus strand). Cytogenetic location: 12q13.12.
Variant type: single nucleotide variant.
Coding change: c.14954T>C on transcript NM_003482.4 (MANE Select); coding-DNA position 14954, T replaced by C.
Protein change: p.Val4985Ala; replaces valine 4985 with alanine.
Molecular consequence: missense variant.
Genome position (GRCh38, 1-based): chr12:49,027,012, A>G on the plus strand (T>C on the coding strand, the complement: KMT2D is on the minus strand). VCF-style: chr12-49027012-A-G. GRCh37 (hg19) VCF-style: chr12-49420795-A-G.
Other names: short protein forms V4985A.
Identifiers: ClinVar variation 2007887 (VCV002007887.5), dbSNP rs1592106302, ClinGen allele CA384691091.
Genomic context (GRCh38, chr12:49,027,012, plus strand): 5'-TCCTCCTGCCGCCCACTGCCCTTCTGGATGGTCAGCAGCAGCCGAAGCCGCTTCCAGCGC[A>G]CTCCTTTCCATTTCTTGAGGCGAGGAGGACGGGAATCTTCACCTTCTTCAGGGGGCCGGG-3'
Protein context (NP_003473.3, residues 4975-4995): RPPRLKKWKG[Val4985Ala]RWKRLRLLLT